The following is an entry in ClinVar:

ClinVar aggregate classification (germline): Uncertain significance (1 of 4 stars; one submission).

Conditions:
Hereditary cancer-predisposing syndrome. Also called: Neoplastic Syndromes, Hereditary; Tumor predisposition; Hereditary Cancer Syndrome; Hereditary neoplastic syndrome. Identifiers: Orphanet 140162, MedGen C0027672, MeSH D009386, MONDO:0015356.

Submission:

Ambry Genetics
Classification: Uncertain significance for Hereditary cancer-predisposing syndrome. Last evaluated: 2025-09-27. Review status: criteria provided, single submitter. Criteria: Ambry Variant Classification Scheme 2023. Collection method: clinical testing. Allele origin: germline.
Comment: The p.F686L variant (also known as c.2058T>G), located in coding exon 12 of the PMS2 gene, results from a T to G substitution at nucleotide position 2058. The phenylalanine at codon 686 is replaced by leucine, an amino acid with highly similar properties. This amino acid position is conserved. In addition, this alteration is predicted to be deleterious by in silico analysis. Based on the available evidence, the clinical significance of this variant remains unclear.

NM_000535.7(PMS2):c.2058T>G (p.Phe686Leu)

Gene: PMS2 (PMS1 homolog 2, mismatch repair system component; minus strand). Cytogenetic location: 7p22.1.
Variant type: single nucleotide variant.
Coding change: c.2058T>G on transcript NM_000535.7 (MANE Select); coding-DNA position 2058, T replaced by G.
Protein change: p.Phe686Leu; replaces phenylalanine 686 with leucine.
Molecular consequence: missense variant. On other transcripts: intron variant (4), non-coding transcript variant (1).
Genome position (GRCh38, 1-based): chr7:5,982,940, A>C on the plus strand (T>G on the coding strand, the complement: PMS2 is on the minus strand). VCF-style: chr7-5982940-A-C. GRCh37 (hg19) VCF-style: chr7-6022571-A-C.
Other names: c.1601+3819T>G (NM_001406910.1, NM_001406908.1); c.1688+3819T>G (NM_001406903.1); c.2006+3819T>G (NM_001406872.1); c.1653T>G, p.Phe551Leu (NM_001322003.2, NM_001322004.2, NM_001322005.2 and 14 more transcripts); c.1902T>G, p.Phe634Leu (NM_001322006.2, NM_001406870.1); c.1740T>G, p.Phe580Leu (NM_001322007.2, NM_001322008.2, NM_001406876.1 and 1 more transcripts); c.1497T>G, p.Phe499Leu (NM_001322010.2, NM_001406906.1, NM_001406907.1); c.1125T>G, p.Phe375Leu (NM_001322011.2, NM_001322012.2); and 16 more; short protein forms F375L, F495L, F564L, F583L, F620L, F285L, F578L, F429L.
Identifiers: ClinVar variation 4667080 (VCV004667080.1).